The following is an entry in ClinVar:

NM_021224.6(ZNF462):c.5284C>G (p.Arg1762Gly)

Gene: ZNF462 (zinc finger protein 462; plus strand). Cytogenetic location: 9q31.2.
Variant type: single nucleotide variant.
Coding change: c.5284C>G on transcript NM_021224.6 (MANE Select); coding-DNA position 5284, C replaced by G.
Protein change: p.Arg1762Gly; replaces arginine 1762 with glycine.
Molecular consequence: missense variant. On other transcripts: intron variant (1).
Genome position (GRCh38, 1-based): chr9:106,929,196, C>G. VCF-style: chr9-106929196-C-G. GRCh37 (hg19) VCF-style: chr9-109691477-C-G.
Other names: c.3253-1329C>G (NM_001347997.2); short protein forms R1762G.
Identifiers: ClinVar variation 3254946 (VCV003254946.1), dbSNP rs572169969.

ClinVar aggregate classification (germline): Uncertain significance (1 of 4 stars; one submission).

Conditions:
Weiss-Kruszka syndrome. Also called: Metopic ridging-ptosis-facial dysmorphism syndrome. Identifiers: Orphanet 502430, MedGen C5568107, MONDO:0032836, OMIM 618619.

gnomAD v4.1: 1 of 1,614,122 alleles (0.000062%); highest among the groups gnomAD compares: South Asian, 0.0011%; no homozygotes.

Submission:

Victorian Clinical Genetics Services, Murdoch Childrens Research Institute
Classification: Uncertain significance for Weiss-Kruszka syndrome. Last evaluated: 2023-07-16. Review status: criteria provided, single submitter. Criteria: ACMG Guidelines, 2015. Collection method: clinical testing. Allele origin: germline. Inheritance: Autosomal dominant inheritance. Affected: yes.
Comment: Based on the classification scheme VCGS_Germline_v1.3.4, this variant is classified as VUS-3B. Following criteria are met: 0102 - Loss of function is a known mechanism of disease in this gene and is associated with Weiss-Kruszka syndrome (MIM#618619). (I) 0107 - This gene is associated with autosomal dominant disease. (I) 0200 - Variant is predicted to result in a missense amino acid change from arginine to glycine. (I) 0251 - This variant is heterozygous. (I) 0301 - Variant is absent from gnomAD (both v2 and v3). (SP) 0309 - Multiple alternative amino acid changes at the same position have been observed in gnomAD (v2) (highest allele count: 28 heterozygotes, 0 homozygotes). (I) 0502 - Missense variant with benign in silico predictions and high conservation. (I) 0604 - Variant is not located in an established domain, motif, hotspot or informative constraint region. (I) 0705 - No comparable missense variants have previous evidence for pathogenicity. (I) 0807 - This variant has no previous evidence of pathogenicity. (I) 0905 - No published segregation evidence has been identified for this variant. (I) 1007 - No published functional evidence has been identified for this variant. (I) 1208 - Inheritance information for this variant is not currently available in this individual. (I) Legend: (SP) - Supporting pathogenic, (I) - Information, (SB) - Supporting benign